The following is an entry in ClinVar:

NM_000939.4(POMC):c.425A>G (p.Glu142Gly)

Gene: POMC (proopiomelanocortin; minus strand). Cytogenetic location: 2p23.3.
Variant type: single nucleotide variant.
Coding change: c.425A>G on transcript NM_000939.4 (MANE Select); coding-DNA position 425, A replaced by G.
Protein change: p.Glu142Gly; replaces glutamic acid 142 with glycine.
Molecular consequence: missense variant.
Genome position (GRCh38, 1-based): chr2:25,161,460, T>C on the plus strand (A>G on the coding strand, the complement: POMC is on the minus strand). VCF-style: chr2-25161460-T-C. GRCh37 (hg19) VCF-style: chr2-25384329-T-C.
Other names: c.425A>G, p.Glu142Gly (NM_001035256.3, NM_001319204.2, NM_001319205.2); short protein forms E142G.
Identifiers: ClinVar variation 3348805 (VCV003348805.1).
Genomic context (GRCh38, chr2:25,161,460, plus strand): 5'-TTAGGGTACACCTTCACTGGGCGCCGCTTCTTGCCCACCGGCTTGCCCCAGCGGAAGTGC[T>C]CCATGGAGTAGGAGCGCTTGCCCTCGCGCGGGCCCGGCTTGGCACCATCGCTGCGGGGCT-3'
Protein context (NP_000930.1, residues 132-152): PREGKRSYSM[Glu142Gly]HFRWGKPVGK

ClinVar aggregate classification (germline): Uncertain significance (0 of 4 stars; one submission).

Conditions:
POMC-related disorder. Also called: POMC-related disorders; POMC-related condition.

Submission:

PreventionGenetics, part of Exact Sciences
Classification: Uncertain significance for POMC-related condition. Last evaluated: 2024-01-03. Review status: no assertion criteria provided. Collection method: clinical testing. Allele origin: germline.
Comment: The POMC c.425A>G variant is predicted to result in the amino acid substitution p.Glu142Gly. To our knowledge, this variant has not been reported in the literature or in a large population database, indicating this variant is rare. At this time, the clinical significance of this variant is uncertain due to the absence of conclusive functional and genetic evidence.